The following is an entry in ClinVar:

NM_001232.3(CASQ2):c.-587G>A

Gene: CASQ2 (calsequestrin 2; minus strand). Cytogenetic location: 1p13.1.
Variant type: single nucleotide variant.
Coding change: c.-587G>A on transcript NM_001232.3; 587 bases upstream of the start codon, G replaced by A.
Genome position (GRCh38, 1-based): chr1:115,769,128, C>T on the plus strand (G>A on the coding strand, the complement: CASQ2 is on the minus strand). VCF-style: chr1-115769128-C-T. GRCh37 (hg19) VCF-style: chr1-116311749-C-T.
Identifiers: ClinVar variation 669809 (VCV000669809.3), dbSNP rs79342009, ClinGen allele CA10883889.
Genomic context (GRCh38, chr1:115,769,128, plus strand): 5'-TCGAGAGGGAGAGAGATAAGGGACTATGGTGCCAATAAGCAAATGGAGAGTTCAAACATA[C>T]GGAATGACACTCATACATTACTGAATTGTTAAATCACCCCAGGGTGGTAACTCAGCCTGT-3'

ClinVar aggregate classification (germline): Benign (1 of 4 stars; one submission).

Allele frequency attached by ClinVar (database versions not stated): gnomAD 0.04967 and 0.05311; TOPMed 0.05566; 1000 Genomes Project 0.05911; 1000 Genomes Project 30x 0.06324.

Submission:

GeneDx
Classification: Benign. Last evaluated: 2018-06-16. Review status: criteria provided, single submitter. Criteria: GeneDx Variant Classification (06012015). Collection method: clinical testing. Allele origin: germline. Affected: yes.
Comment: This variant is considered likely benign or benign based on one or more of the following criteria: it is a conservative change, it occurs at a poorly conserved position in the protein, it is predicted to be benign by multiple in silico algorithms, and/or has population frequency not consistent with disease.